The following is an entry in ClinVar:

NM_001329943.3(KIAA0586):c.2476A>C (p.Asn826His)

Gene: KIAA0586 (KIAA0586; plus strand). Cytogenetic location: 14q23.1.
Variant type: single nucleotide variant.
Coding change: c.2476A>C on transcript NM_001329943.3 (MANE Select); coding-DNA position 2476, A replaced by C.
Protein change: p.Asn826His; replaces asparagine 826 with histidine.
Molecular consequence: missense variant.
Genome position (GRCh38, 1-based): chr14:58,470,646, A>C. VCF-style: chr14-58470646-A-C. GRCh37 (hg19) VCF-style: chr14-58937364-A-C.
Other names: c.2635A>C, p.Asn879His (NM_001244189.2); c.2431A>C, p.Asn811His (NM_001244190.2); c.2221A>C, p.Asn741His (NM_001244191.2, NM_001329945.2, NM_001364700.1 and 1 more transcripts); c.2344A>C, p.Asn782His (NM_001244192.2); c.2056A>C, p.Asn686His (NM_001244193.2); c.2476A>C, p.Asn826His (NM_001329944.2, NM_001329946.2, NM_001329947.2); c.2248A>C, p.Asn750His (NM_014749.5); short protein forms N686H, N750H, N782H, N826H, N879H, N741H, N811H.
Identifiers: ClinVar variation 1408502 (VCV001408502.9), dbSNP rs763982126, ClinGen allele CA7205889.

ClinVar aggregate classification (germline): Uncertain significance (1 of 4 stars; one submission).

Conditions:
Joubert syndrome 23 (JBTS23). Identifiers: Orphanet 475, MedGen C4084822, MONDO:0014664, OMIM 616490.
Short-rib thoracic dysplasia 14 with polydactyly (SRTD14). Identifiers: Orphanet 397715, MedGen C4225286, MONDO:0014688, OMIM 616546.

gnomAD v4.1: 8 of 1,608,614 alleles (0.0005%); highest among the groups gnomAD compares: African/African-American, 0.011%; no homozygotes.

Submission:

Labcorp Genetics (formerly Invitae), Labcorp
Classification: Uncertain significance for Joubert syndrome 23; Short-rib thoracic dysplasia 14 with polydactyly. Last evaluated: 2022-01-18. Review status: criteria provided, single submitter. Criteria: Invitae Variant Classification Sherloc (09022015). Collection method: clinical testing. Allele origin: germline.
Comment: This sequence change replaces asparagine, which is neutral and polar, with histidine, which is basic and polar, at codon 879 of the KIAA0586 protein (p.Asn879His). In summary, the available evidence is currently insufficient to determine the role of this variant in disease. Therefore, it has been classified as a Variant of Uncertain Significance. Algorithms developed to predict the effect of missense changes on protein structure and function are either unavailable or do not agree on the potential impact of this missense change (SIFT: "Tolerated"; PolyPhen-2: "Probably Damaging"; Align-GVGD: "Class C0"). This variant has not been reported in the literature in individuals affected with KIAA0586-related conditions. This variant is present in population databases (rs763982126, gnomAD 0.02%).